The following is an entry in ClinVar:

NM_023110.3(FGFR1):c.*1822A>C

Genes: FGFR1 (fibroblast growth factor receptor 1; minus strand), LOC102723716 (uncharacterized LOC102723716; minus strand). Cytogenetic location: 8p11.23.
Variant type: single nucleotide variant.
Coding change: c.*1822A>C on transcript NM_023110.3 (MANE Select); 1822 bases downstream of the stop codon, A replaced by C.
Molecular consequence: 3 prime UTR variant.
Genome position (GRCh38, 1-based): chr8:38,411,806, T>G on the plus strand (A>C on the coding strand, the complement: FGFR1 is on the minus strand). VCF-style: chr8-38411806-T-G. GRCh37 (hg19) VCF-style: chr8-38269324-T-G.
Other names: c.*1822A>C (NM_001174063.2, NM_001174064.2, NM_001174065.2 and 6 more transcripts); c.*583A>C (NM_001354367.2, NM_001354369.2, NM_001354370.2).
Identifiers: ClinVar variation 362862 (VCV000362862.5), dbSNP rs570038633, ClinGen allele CA10627713.
Genomic context (GRCh38, chr8:38,411,806, plus strand): 5'-AGAAGTAAATTCCAAGCAGCCAAAAAACCAAAAACATTCGGAGAATTTTCCCCCCGTTCC[T>G]GAGGGACAGGATGGAGTTTGGACAGGAAGAACTGTAAGAAGCCAAGATCTGCGACAGTCC-3'

ClinVar aggregate classification (germline): Likely benign. Review status: criteria provided, single submitter (1 of 4 stars). 4 submissions from 1 submitter: Likely benign (4). Last evaluated 2017-04-27.

Conditions:
Osteoglophonic dysplasia (OGD). Also called: Osteoglophonic dwarfism. Identifiers: Orphanet 2645, MedGen C0432283, MONDO:0008150, OMIM 166250.
Hypogonadotropic hypogonadism 2 with or without anosmia (HH2). Also called: HYPOGONADOTROPIC HYPOGONADISM 2 WITH OR WITHOUT ANOSMIA, SUSCEPTIBILITY TO; HYPOGONADOTROPIC HYPOGONADISM 2 WITHOUT ANOSMIA, SUSCEPTIBILITY TO; FGFR1-Related GnRH Deficiency (Kallmann Syndrome 2); HYPOGONADOTROPIC HYPOGONADISM 2 WITHOUT ANOSMIA. Identifiers: Orphanet 478, MedGen C1563720, MONDO:0007844, OMIM 147950. Disease mechanism: loss of function.
Trigonocephaly 1 (TRIGNO1). Identifiers: Orphanet 3366, MedGen C0432122, MONDO:0008603, OMIM 190440.
Craniosynostosis syndrome. Also called: Craniosynostosis. Identifiers: Orphanet 1531, MedGen C0010278, MeSH D003398, MONDO:0015469, HP:0001363.

Allele frequency attached by ClinVar (database versions not stated): 1000 Genomes Project 30x 0.00016; 1000 Genomes Project 0.00020; gnomAD 0.00031 and 0.00034; TOPMed 0.00031; gnomAD exomes 0.00039.
gnomAD v4.1: 85 of 229,738 alleles (0.037%); highest among the groups gnomAD compares: Middle Eastern, 0.26%; no homozygotes.

Submissions (4):

Illumina Laboratory Services, Illumina
Classification: Likely benign for Hypogonadotropic hypogonadism 2 with or without anosmia. Last evaluated: 2017-04-27. Review status: criteria provided, single submitter. Criteria: ICSL Variant Classification Criteria 13 December 2019. Collection method: clinical testing. Allele origin: germline.
Comment: This variant was observed as part of a predisposition screen in an ostensibly healthy population. A literature search was performed for the gene, cDNA change, and amino acid change (where applicable). No publications were found based on this search. Allele frequency data from public databases allowed determination this variant is unlikely to cause disease. Therefore, this variant is classified as likely benign.

Illumina Laboratory Services, Illumina
Classification: Likely benign for Craniosynostosis. Last evaluated: 2017-04-27. Review status: criteria provided, single submitter. Criteria: ICSL Variant Classification Criteria 13 December 2019. Collection method: clinical testing. Allele origin: germline.
Comment: the same text as in the submission from Illumina Laboratory Services, Illumina above.

Illumina Laboratory Services, Illumina
Classification: Likely benign for Trigonocephaly 1. Last evaluated: 2017-04-27. Review status: criteria provided, single submitter. Criteria: ICSL Variant Classification Criteria 13 December 2019. Collection method: clinical testing. Allele origin: germline.
Comment: the same text as in the submission from Illumina Laboratory Services, Illumina above.

Illumina Laboratory Services, Illumina
Classification: Likely benign for Osteoglophonic dysplasia. Last evaluated: 2017-04-27. Review status: criteria provided, single submitter. Criteria: ICSL Variant Classification Criteria 13 December 2019. Collection method: clinical testing. Allele origin: germline.
Comment: the same text as in the submission from Illumina Laboratory Services, Illumina above.